The following is an entry in ClinVar:

NM_005097.4(LGI1):c.1254A>T (p.Gln418His)

Gene: LGI1 (leucine rich glioma inactivated 1; plus strand). Cytogenetic location: 10q23.33.
Variant type: single nucleotide variant.
Coding change: c.1254A>T on transcript NM_005097.4 (MANE Select); coding-DNA position 1254, A replaced by T.
Protein change: p.Gln418His; replaces glutamine 418 with histidine.
Molecular consequence: missense variant. On other transcripts: non-coding transcript variant (1), intron variant (1).
Genome position (GRCh38, 1-based): chr10:93,797,383, A>T. VCF-style: chr10-93797383-A-T. GRCh37 (hg19) VCF-style: chr10-95557140-A-T.
Other names: c.839-366A>T (NM_001308275.2); c.1110A>T, p.Gln370His (NM_001308276.2); short protein forms Q370H, Q418H.
Identifiers: ClinVar variation 1351496 (VCV001351496.8), dbSNP rs531444070, ClinGen allele CA377628664.
Genomic context (GRCh38, chr10:93,797,383, plus strand): 5'-TTTAATTCTGTCTAGTAGTTCCCAGCGTCCTGTAATTTATCAGTGGAACAAAGCAACACA[A>T]TTATTCACTAACCAAACTGACATTCCTAACATGGAGGATGTGTACGCAGTGAAGCACTTC-3'
Protein context (NP_005088.1, residues 408-428): PVIYQWNKAT[Gln418His]LFTNQTDIPN

ClinVar aggregate classification (germline): Uncertain significance (1 of 4 stars; one submission).

Conditions:
Autosomal dominant epilepsy with auditory features. Identifiers: Orphanet 101046, MedGen C1838062, MONDO:0010898.

Allele frequency attached by ClinVar (database versions not stated): gnomAD 0.00001; gnomAD exomes 0.00001.
gnomAD v4.1: 4 of 1,614,100 alleles (0.00025%); highest among the groups gnomAD compares: Non-Finnish European, 0.00025%; no homozygotes.

Submission:

Labcorp Genetics (formerly Invitae), Labcorp
Classification: Uncertain significance for Autosomal dominant epilepsy with auditory features. Last evaluated: 2022-07-12. Review status: criteria provided, single submitter. Criteria: Invitae Variant Classification Sherloc (09022015). Collection method: clinical testing. Allele origin: germline.
Comment: In summary, the available evidence is currently insufficient to determine the role of this variant in disease. Therefore, it has been classified as a Variant of Uncertain Significance. Algorithms developed to predict the effect of missense changes on protein structure and function (SIFT, PolyPhen-2, Align-GVGD) all suggest that this variant is likely to be tolerated. ClinVar contains an entry for this variant (Variation ID: 1351496). This variant has not been reported in the literature in individuals affected with LGI1-related conditions. This variant is not present in population databases (gnomAD no frequency). This sequence change replaces glutamine, which is neutral and polar, with histidine, which is basic and polar, at codon 418 of the LGI1 protein (p.Gln418His).